The following is an entry in ClinVar:

NM_001042492.3(NF1):c.2065G>A (p.Val689Met)

Gene: NF1 (neurofibromin 1; plus strand). Cytogenetic location: 17q11.2.
Variant type: single nucleotide variant.
Coding change: c.2065G>A on transcript NM_001042492.3 (MANE Select); coding-DNA position 2065, G replaced by A.
Protein change: p.Val689Met; replaces valine 689 with methionine.
Molecular consequence: missense variant.
Genome position (GRCh38, 1-based): chr17:31,226,498, G>A. VCF-style: chr17-31226498-G-A. GRCh37 (hg19) VCF-style: chr17-29553516-G-A.
Other names: c.2065G>A, p.Val689Met (NM_000267.4); short protein forms V689M.
Identifiers: ClinVar variation 404577 (VCV000404577.14), dbSNP rs771784652, ClinGen allele CA8485915.

ClinVar aggregate classification (germline): Conflicting classifications of pathogenicity. Review status: criteria provided, conflicting classifications (1 of 4 stars). 4 submissions from 4 submitters: Uncertain significance (3); Likely benign (1). Last evaluated 2025-10-18.

Conditions:
Hereditary cancer-predisposing syndrome. Also called: Tumor predisposition; Neoplastic Syndromes, Hereditary; Hereditary Cancer Syndrome; Hereditary neoplastic syndrome. Identifiers: Orphanet 140162, MedGen C0027672, MeSH D009386, MONDO:0015356.
Cardiovascular phenotype. Identifiers: MedGen CN230736.
Neurofibromatosis, type 1 (NF1). Also called: Neurofibromatosis, type I; NEUROFIBROMATOSIS, TYPE I, SOMATIC; Peripheral type neurofibromatosis; VON RECKLINGHAUSEN DISEASE. Identifiers: Orphanet 636, MedGen C0027831, MONDO:0018975, OMIM 162200. Disease mechanism: loss of function.

Allele frequency attached by ClinVar (database versions not stated): gnomAD exomes 0.00001; ExAC 0.00002.
gnomAD v4.1: 13 of 1,613,916 alleles (0.00081%); highest among the groups gnomAD compares: Non-Finnish European, 0.0011%; no homozygotes.

Submissions (4):

Labcorp Genetics (formerly Invitae), Labcorp
Classification: Likely benign for Neurofibromatosis, type 1. Last evaluated: 2025-10-18. Review status: criteria provided, single submitter. Criteria: Invitae Variant Classification Sherloc (09022015). Collection method: clinical testing. Allele origin: germline.

Women's Health and Genetics/Laboratory Corporation of America, LabCorp
Classification: Uncertain significance. Last evaluated: 2025-09-22. Review status: criteria provided, single submitter. Criteria: LabCorp Variant Classification Summary - May 2015. Collection method: clinical testing. Allele origin: germline.
Comment: Variant summary: NF1 c.2065G>A (p.Val689Met) results in a conservative amino acid change in the encoded protein sequence. Algorithms developed to predict the effect of missense changes on protein structure and function are either unavailable or do not agree on the potential impact of this missense change. The variant allele was found at a frequency of 1.2e-05 in 250880 control chromosomes. The available data on variant occurrences in the general population are insufficient to allow any conclusion about variant significance. To our knowledge, no occurrence of c.2065G>A in individuals affected with NF1-related conditions and no experimental evidence demonstrating its impact on protein function have been reported. ClinVar contains an entry for this variant (Variation ID: 404577). Based on the evidence outlined above, the variant was classified as uncertain significance.

Ambry Genetics
Classification: Uncertain significance for Cardiovascular phenotype; Hereditary cancer-predisposing syndrome. Last evaluated: 2025-07-21. Review status: criteria provided, single submitter. Criteria: Ambry Variant Classification Scheme 2023. Collection method: clinical testing. Allele origin: germline.
Comment: The p.V689M variant (also known as c.2065G>A), located in coding exon 18 of the NF1 gene, results from a G to A substitution at nucleotide position 2065. The valine at codon 689 is replaced by methionine, an amino acid with highly similar properties. This amino acid position is highly conserved in available vertebrate species. In addition, this alteration is predicted to be deleterious by in silico analysis. Since supporting evidence is limited at this time, the clinical significance of this alteration remains unclear.

Genome-Nilou Lab
Classification: Uncertain significance for Neurofibromatosis, type 1. Last evaluated: 2022-03-15. Review status: criteria provided, single submitter. Criteria: ACMG Guidelines, 2015. Collection method: clinical testing. Allele origin: germline. Affected: no.

Literature cited by the submitters: PubMed 10678181 (cited by Women's Health and Genetics/Laboratory Corporation of America, LabCorp); PubMed 23460398 (cited by Women's Health and Genetics/Laboratory Corporation of America, LabCorp); PubMed 29872168 (cited by Women's Health and Genetics/Laboratory Corporation of America, LabCorp); PubMed 27069254 (cited by Women's Health and Genetics/Laboratory Corporation of America, LabCorp).